The following is an entry in ClinVar:

ClinVar aggregate classification (germline): Likely benign (1 of 4 stars; one submission).

Submission:

CeGaT Center for Human Genetics Tuebingen
Classification: Likely benign. Last evaluated: 2025-02-01. Review status: criteria provided, single submitter. Criteria: CeGaT Center For Human Genetics Tuebingen Variant Classification Criteria Version 2. Collection method: clinical testing. Allele origin: germline. Affected: yes. Observed: 4 variant alleles.
Comment: NOVA2: BS1

NM_002516.4(NOVA2):c.-59CGC[9]

Gene: NOVA2 (NOVA alternative splicing regulator 2; minus strand). Cytogenetic location: 19q13.32.
Variant type: Microsatellite.
Coding change: c.-59CGC[9] on transcript NM_002516.4 (MANE Select); nine copies in a row of the 3-base unit CGC starting at c.-59; the reference has six copies in a row; three copies, 9 bases duplicated.
Molecular consequence: 5 prime UTR variant.
Genome position (GRCh38, 1-based): chr19:45,973,393-45,973,401, GCGGCGGCG duplicated on the plus strand (CGCCGCCGC on the coding strand, the reverse complement: NOVA2 is on the minus strand); duplicating any 9 consecutive bases within chr19:45,973,393-45,973,412 gives the same sequence; the position shown is the placement nearest the transcript's 3' end. VCF-style (leftmost placement, unchanged base first): chr19-45973392-T-TGCGGCGGCG. GRCh37 (hg19) VCF-style: chr19-46476650-T-TGCGGCGGCG.
Identifiers: ClinVar variation 2578832 (VCV002578832.25), dbSNP rs754177721, ClinGen allele CA9525526.